The following is an entry in ClinVar:

NM_003238.6(TGFB2):c.-784A>C

Gene: TGFB2 (transforming growth factor beta 2; plus strand). Cytogenetic location: 1q41.
Variant type: single nucleotide variant.
Coding change: c.-784A>C on transcript NM_003238.6 (MANE Select); 784 bases upstream of the start codon, A replaced by C.
Molecular consequence: 5 prime UTR variant. On other transcripts: non-coding transcript variant (2).
Genome position (GRCh38, 1-based): chr1:218,345,918, A>C. VCF-style: chr1-218345918-A-C. GRCh37 (hg19) VCF-style: chr1-218519260-A-C.
Other names: c.-784A>C (NM_001135599.4).
Identifiers: ClinVar variation 295461 (VCV000295461.8), dbSNP rs1557153, ClinGen allele CA10609090.

ClinVar aggregate classification (germline): Benign. Review status: criteria provided, multiple submitters, no conflicts (2 of 4 stars). 2 submissions from 2 submitters: Benign (2). Last evaluated 2019-11-26.

Conditions:
Loeys-Dietz syndrome 4 (LDS4). Also called: ANEURYSM, AORTIC AND CEREBRAL, WITH ARTERIAL TORTUOSITY AND SKELETAL MANIFESTATIONS; TGFB2-Related Loeys-Dietz Syndrome. Identifiers: MedGen C3553762, MONDO:0013897, OMIM 614816.

Allele frequency attached by ClinVar (database versions not stated): TOPMed 0.99917; 1000 Genomes Project 30x 0.99922; gnomAD 0.99928 and 0.99929; 1000 Genomes Project 0.99940.
gnomAD v4.1: 151,942 of 152,052 alleles (100%); highest among the groups gnomAD compares: Middle Eastern, 100%; 75,916 homozygotes.

Submissions (2):

GeneDx
Classification: Benign. Last evaluated: 2019-11-26. Review status: criteria provided, single submitter. Criteria: GeneDx Variant Classification Process June 2021. Collection method: clinical testing. Allele origin: germline. Affected: yes.

Illumina Laboratory Services, Illumina
Classification: Benign for Loeys-Dietz syndrome 4. Last evaluated: 2017-04-27. Review status: criteria provided, single submitter. Criteria: ICSL Variant Classification Criteria 13 December 2019. Collection method: clinical testing. Allele origin: germline.
Comment: This variant was observed as part of a predisposition screen in an ostensibly healthy population. A literature search was performed for the gene, cDNA change, and amino acid change (where applicable). No publications were found based on this search. Allele frequency data from public databases was too high to be consistent with this variant causing disease. Therefore, this variant is classified as benign.